The following is an entry in ClinVar:

ClinVar aggregate classification (germline): Uncertain significance. Review status: criteria provided, multiple submitters, no conflicts (2 of 4 stars). 2 submissions from 2 submitters: Uncertain significance (2). Last evaluated 2026-02-19.

Conditions:
Noonan syndrome (NS). Also called: Noonan's syndrome. Identifiers: Orphanet 648, MedGen C0028326, MeSH D009634, MONDO:0018997. Disease mechanism: gain of function.

gnomAD v4.1: 3 of 1,487,640 alleles (0.0002%); highest among the groups gnomAD compares: East Asian, 0.0027%; no homozygotes.

Submissions (2):

Ambry Genetics
Classification: Uncertain significance. Last evaluated: 2026-02-19. Review status: criteria provided, single submitter. Criteria: Ambry Variant Classification Scheme 2023. Collection method: clinical testing. Allele origin: germline.
Comment: The p.R15P variant (also known as c.44G>C), located in coding exon 1 of the RRAS gene, results from a G to C substitution at nucleotide position 44. The arginine at codon 15 is replaced by proline, an amino acid with dissimilar properties. This amino acid position is conserved. In addition, this alteration is predicted to be tolerated by in silico analysis. Based on the available evidence, the clinical significance of this variant remains unclear.

Labcorp Genetics (formerly Invitae), Labcorp
Classification: Uncertain significance for Noonan syndrome. Last evaluated: 2024-08-28. Review status: criteria provided, single submitter. Criteria: Invitae Variant Classification Sherloc (09022015). Collection method: clinical testing. Allele origin: germline.
Comment: This sequence change replaces arginine, which is basic and polar, with proline, which is neutral and non-polar, at codon 15 of the RRAS protein (p.Arg15Pro). This variant is not present in population databases (gnomAD no frequency). This variant has not been reported in the literature in individuals affected with RRAS-related conditions. ClinVar contains an entry for this variant (Variation ID: 2038116). An algorithm developed to predict the effect of missense changes on protein structure and function (PolyPhen-2) suggests that this variant is likely to be disruptive. In summary, the available evidence is currently insufficient to determine the role of this variant in disease. Therefore, it has been classified as a Variant of Uncertain Significance.

NM_006270.5(RRAS):c.44G>C (p.Arg15Pro)

Gene: RRAS (RAS related; minus strand). Cytogenetic location: 19q13.33.
Variant type: single nucleotide variant.
Coding change: c.44G>C on transcript NM_006270.5 (MANE Select); coding-DNA position 44, G replaced by C.
Protein change: p.Arg15Pro; replaces arginine 15 with proline.
Molecular consequence: missense variant.
Genome position (GRCh38, 1-based): chr19:49,640,055, C>G on the plus strand (G>C on the coding strand, the complement: RRAS is on the minus strand). VCF-style: chr19-49640055-C-G. GRCh37 (hg19) VCF-style: chr19-50143312-C-G.
Other names: c.44G>C (NM_006270.3); short protein forms R15P.
Identifiers: ClinVar variation 2038116 (VCV002038116.5), dbSNP rs772132258, ClinGen allele CA406849993.